The following is an entry in ClinVar:

ClinVar aggregate classification (germline): Pathogenic/Likely pathogenic. Review status: criteria provided, multiple submitters, no conflicts (2 of 4 stars). 2 submissions from 2 submitters: Pathogenic (1); Likely pathogenic (1). Last evaluated 2020-11-30.

Conditions:
Neurofibromatosis, type 1 (NF1). Also called: Neurofibromatosis, type I; VON RECKLINGHAUSEN DISEASE; NEUROFIBROMATOSIS, TYPE I, SOMATIC; Peripheral type neurofibromatosis. Identifiers: Orphanet 636, MedGen C0027831, MONDO:0018975, OMIM 162200. Disease mechanism: loss of function.
Cardiovascular phenotype. Identifiers: MedGen CN230736.
Hereditary cancer-predisposing syndrome. Also called: Hereditary Cancer Syndrome; Hereditary neoplastic syndrome; Tumor predisposition; Neoplastic Syndromes, Hereditary. Identifiers: Orphanet 140162, MedGen C0027672, MeSH D009386, MONDO:0015356.

Submissions (2):

Ambry Genetics
Classification: Likely pathogenic for Cardiovascular phenotype; Hereditary cancer-predisposing syndrome. Last evaluated: 2020-11-30. Review status: criteria provided, single submitter. Criteria: Ambry Variant Classification Scheme 2023. Collection method: clinical testing. Allele origin: germline.
Comment: The c.68dupT variant, located in coding exon 2 of the NF1 gene, results from a duplication of T at nucleotide position 68, causing a translational frameshift with a predicted alternate stop codon (p.T25Nfs*13). The predicted stop codon occurs within the first 150 nucleotides of NF1 gene. This alteration may escape nonsense-mediated mRNAdecay and/or be rescued by re-initiation (Rivas et al. Science. 2015 May 8;348(6235):666-9; Lindeboom et al. Nat Genet. 2016 Oct;48(10):1112-8; Rhee et al. Sci Rep. 2017 May 10;7(1):1653). Based on the majority of available evidence to date, this variant is likely to be pathogenic.

Labcorp Genetics (formerly Invitae), Labcorp
Classification: Pathogenic for Neurofibromatosis, type 1. Last evaluated: 2020-10-23. Review status: criteria provided, single submitter. Criteria: Invitae Variant Classification Sherloc (09022015). Collection method: clinical testing. Allele origin: germline.
Comment: This sequence change creates a premature translational stop signal (p.Thr25Asnfs*13) in the NF1 gene. It is expected to result in an absent or disrupted protein product. Loss-of-function variants in NF1 are known to be pathogenic (PMID: 10712197, 23913538). This variant is not present in population databases (ExAC no frequency). This variant has not been reported in the literature in individuals with NF1-related conditions. For these reasons, this variant has been classified as Pathogenic.

Literature cited by the submitters: PubMed 10712197 (cited by Labcorp Genetics (formerly Invitae), Labcorp); PubMed 23913538 (cited by Labcorp Genetics (formerly Invitae), Labcorp).

NM_001042492.3(NF1):c.68dup (p.Thr25fs)

Gene: NF1 (neurofibromin 1; plus strand). Cytogenetic location: 17q11.2.
Variant type: Duplication.
Coding change: c.68dup on transcript NM_001042492.3 (MANE Select); coding-DNA position 68, one base duplicated (T; older notation c.68dupT).
Protein change: p.Thr25fs; shifts the reading frame from threonine 25.
Molecular consequence: frameshift variant.
Genome position (GRCh38, 1-based): chr17:31,155,990, T duplicated. VCF-style (leftmost placement, unchanged base first): chr17-31155989-A-AT. GRCh37 (hg19) VCF-style: chr17-29483007-A-AT.
Other names: c.68dup, p.Thr25Asnfs (NM_000267.4); c.68dup, p.Thr25fs (NM_001128147.3); c.68dupT (NM_000267.3); short protein forms T25fs.
Identifiers: ClinVar variation 1453179 (VCV001453179.8), dbSNP rs2143625205, ClinGen allele CA2573153516.